The following is an entry in ClinVar:

NM_006662.3(SRCAP):c.5869C>G (p.Arg1957Gly)

Gene: SRCAP (Snf2 related CREBBP activator protein; plus strand). Cytogenetic location: 16p11.2.
Variant type: single nucleotide variant.
Coding change: c.5869C>G on transcript NM_006662.3 (MANE Select); coding-DNA position 5869, C replaced by G.
Protein change: p.Arg1957Gly; replaces arginine 1957 with glycine.
Molecular consequence: missense variant.
Genome position (GRCh38, 1-based): chr16:30,729,176, C>G. VCF-style: chr16-30729176-C-G. GRCh37 (hg19) VCF-style: chr16-30740497-C-G.
Other names: short protein forms R1957G.
Identifiers: ClinVar variation 1993687 (VCV001993687.4), dbSNP rs149539909, ClinGen allele CA395621505.

ClinVar aggregate classification (germline): Uncertain significance (1 of 4 stars; one submission).

gnomAD v4.1: 3 of 1,613,796 alleles (0.00019%); highest among the groups gnomAD compares: Non-Finnish European, 0.00025%; no homozygotes.

Submission:

Labcorp Genetics (formerly Invitae), Labcorp
Classification: Uncertain significance. Last evaluated: 2022-05-12. Review status: criteria provided, single submitter. Criteria: Invitae Variant Classification Sherloc (09022015). Collection method: clinical testing. Allele origin: germline.
Comment: In summary, the available evidence is currently insufficient to determine the role of this variant in disease. Therefore, it has been classified as a Variant of Uncertain Significance. Algorithms developed to predict the effect of missense changes on protein structure and function are either unavailable or do not agree on the potential impact of this missense change (SIFT: "Deleterious"; PolyPhen-2: "Benign"; Align-GVGD: "Class C25"). This variant has not been reported in the literature in individuals affected with SRCAP-related conditions. This variant is not present in population databases (gnomAD no frequency). This sequence change replaces arginine, which is basic and polar, with glycine, which is neutral and non-polar, at codon 1957 of the SRCAP protein (p.Arg1957Gly).